The following is an entry in ClinVar:

NM_016507.4(CDK12):c.422G>A (p.Gly141Glu)

Genes: CDK12 (cyclin dependent kinase 12; plus strand), LOC126862553 (CDK7 strongly-dependent group 2 enhancer GRCh37_chr17:37618166-37619365; plus strand). Cytogenetic location: 17q12.
Variant type: single nucleotide variant.
Coding change: c.422G>A on transcript NM_016507.4 (MANE Select); coding-DNA position 422, G replaced by A.
Protein change: p.Gly141Glu; replaces glycine 141 with glutamic acid.
Molecular consequence: missense variant.
Genome position (GRCh38, 1-based): chr17:39,462,493, G>A. VCF-style: chr17-39462493-G-A. GRCh37 (hg19) VCF-style: chr17-37618746-G-A.
Other names: c.422G>A, p.Gly141Glu (NM_015083.4); short protein forms G141E.
Identifiers: ClinVar variation 4651479 (VCV004651479.1).
Genomic context (GRCh38, chr17:39,462,493, plus strand): 5'-ACTTACTAAAAGCTAAACAGACCGAAAAAGAAAAAAGCCAAGAAGTCTCCAGCAAGTCGG[G>A]ATCGATGAAGGACCGGATATCGGGAAGTTCAAAGCGTTCGAATGAGGAGACTGATGACTA-3'
Protein context (NP_057591.2, residues 131-151): EKSQEVSSKS[Gly141Glu]SMKDRISGSS

ClinVar aggregate classification (germline): Uncertain significance (1 of 4 stars; one submission).

Submission:

Ambry Genetics
Classification: Uncertain significance. Last evaluated: 2025-12-07. Review status: criteria provided, single submitter. Criteria: Ambry Variant Classification Scheme 2023. Collection method: clinical testing. Allele origin: germline.
Comment: The p.G141E variant (also known as c.422G>A), located in coding exon 1 of the CDK12 gene, results from a G to A substitution at nucleotide position 422. The glycine at codon 141 is replaced by glutamic acid, an amino acid with similar properties. This amino acid position is conserved. In addition, this alteration is predicted to be tolerated by in silico analysis. Based on the available evidence, the clinical significance of this variant remains unclear.